The following is an entry in ClinVar:

NM_001370259.2(MEN1):c.1060T>A (p.Cys354Ser)

Gene: MEN1 (menin 1; minus strand). Cytogenetic location: 11q13.1.
Variant type: single nucleotide variant.
Coding change: c.1060T>A on transcript NM_001370259.2 (MANE Select); coding-DNA position 1060, T replaced by A.
Protein change: p.Cys354Ser; replaces cysteine 354 with serine.
Molecular consequence: missense variant. On other transcripts: non-coding transcript variant (4).
Genome position (GRCh38, 1-based): chr11:64,805,760, A>T on the plus strand (T>A on the coding strand, the complement: MEN1 is on the minus strand). VCF-style: chr11-64805760-A-T. GRCh37 (hg19) VCF-style: chr11-64573232-A-T.
Other names: c.1075T>A, p.Cys359Ser (NM_000244.4, NM_001407145.1, NM_130800.3 and 4 more transcripts); c.1186T>A, p.Cys396Ser (NM_001370251.2, NM_001407142.1, NM_001407143.1 and 1 more transcripts); c.1060T>A, p.Cys354Ser (NM_001370260.2, NM_001370261.2, NM_001407146.1 and 3 more transcripts); c.955T>A, p.Cys319Ser (NM_001370262.2, NM_001370263.2, NM_001407148.1 and 1 more transcripts); c.1201T>A, p.Cys401Ser (NM_001407150.1); c.1081T>A, p.Cys361Ser (NM_001407151.1); short protein forms C319S, C354S, C359S, C361S, C396S, C401S.
Identifiers: ClinVar variation 3229046 (VCV003229046.1), dbSNP rs371503251, ClinGen allele CA381182944.

ClinVar aggregate classification (germline): Uncertain significance (1 of 4 stars; one submission).

Conditions:
Hereditary cancer-predisposing syndrome. Also called: Neoplastic Syndromes, Hereditary; Tumor predisposition; Hereditary neoplastic syndrome; Hereditary Cancer Syndrome. Identifiers: Orphanet 140162, MedGen C0027672, MeSH D009386, MONDO:0015356.

Submission:

Ambry Genetics
Classification: Uncertain significance for Hereditary cancer-predisposing syndrome. Last evaluated: 2023-12-13. Review status: criteria provided, single submitter. Criteria: Ambry Variant Classification Scheme 2023. Collection method: clinical testing. Allele origin: germline.
Comment: The p.C354S variant (also known as c.1060T>A), located in coding exon 7 of the MEN1 gene, results from a T to A substitution at nucleotide position 1060. The cysteine at codon 354 is replaced by serine, an amino acid with dissimilar properties. This amino acid position is conserved. In addition, the in silico prediction for this alteration is inconclusive. Since supporting evidence is limited at this time, the clinical significance of this alteration remains unclear.